The following is an entry in ClinVar:

NM_000535.7(PMS2):c.1A>T (p.Met1Leu)

Gene: PMS2 (PMS1 homolog 2, mismatch repair system component; minus strand). Cytogenetic location: 7p22.1.
Variant type: single nucleotide variant.
Coding change: c.1A>T on transcript NM_000535.7 (MANE Select); coding-DNA position 1, A replaced by T.
Protein change: p.Met1Leu; changes the start codon (methionine 1).
Molecular consequence: missense variant, initiator codon variant. On other transcripts: 5 prime UTR variant (11), non-coding transcript variant (1).
Genome position (GRCh38, 1-based): chr7:6,009,019, T>A on the plus strand (A>T on the coding strand, the complement: PMS2 is on the minus strand). VCF-style: chr7-6009019-T-A. GRCh37 (hg19) VCF-style: chr7-6048650-T-A.
Other names: c.-400A>T (NM_001322003.2, NM_001322013.2); c.-265A>T (NM_001322004.2, NM_001322010.2); c.-595A>T (NM_001322005.2); c.1A>T, p.Met1Leu (NM_001322006.2, NM_001322014.2); c.-215A>T (NM_001322007.2); c.-75A>T (NM_001322008.2); c.-590A>T (NM_001322009.2); c.-884A>T (NM_001322011.2); and 2 more; short protein forms M1L.
Identifiers: ClinVar variation 142777 (VCV000142777.33), dbSNP rs587779333, ClinGen allele CA010652.

ClinVar aggregate classification (germline): Pathogenic/Likely pathogenic. Review status: criteria provided, multiple submitters, no conflicts (2 of 4 stars). 11 submissions from 11 submitters: Pathogenic (8); Likely pathogenic (2). 1 of the submissions does not count toward it. Last evaluated 2025-09-21.

Conditions:
Hereditary cancer-predisposing syndrome. Also called: Hereditary Cancer Syndrome; Neoplastic Syndromes, Hereditary; Hereditary neoplastic syndrome; Tumor predisposition. Identifiers: Orphanet 140162, MedGen C0027672, MeSH D009386, MONDO:0015356.
Hereditary nonpolyposis colorectal neoplasms. Identifiers: MedGen C0009405, MeSH D003123.
Lynch syndrome. Identifiers: Orphanet 144, MedGen C4552100, MONDO:0005835. Disease mechanism: loss of function.
Lynch syndrome 4 (LYNCH4). Also called: Colorectal cancer, hereditary nonpolyposis, type 4; Hereditary non-polyposis colorectal cancer, type 4. Identifiers: Orphanet 144, MedGen C1838333, MONDO:0013699, OMIM 614337. Disease mechanism: loss of function.
Endometrial carcinoma. Also called: Endometrial carcinoma, somatic. Identifiers: MedGen C0476089, MONDO:0002447, OMIM 608089, HP:0012114.

Submissions (11):

Mayo Clinic Laboratories, Mayo Clinic
Classification: Pathogenic. Last evaluated: 2025-09-21. Review status: criteria provided, single submitter. Criteria: ACMG Guidelines, 2015. Collection method: clinical testing. Allele origin: germline. Observed: 1 variant allele.
Comment: PM2_supporting, PM3_supporting, PS1, PVS1_strong

Labcorp Genetics (formerly Invitae), Labcorp
Classification: Pathogenic for Hereditary nonpolyposis colorectal neoplasms. Last evaluated: 2025-07-31. Review status: criteria provided, single submitter. Criteria: Invitae Variant Classification Sherloc (09022015). Collection method: clinical testing. Allele origin: germline.
Comment: This sequence change affects the initiator codon of the PMS2 mRNA. This change may impact translation initiation or efficiency. The next in-frame methionine is located at codon 136. This variant is present in population databases (rs587779333, gnomAD 0.0009%). Disruption of the initiator codon has been observed in individuals with clinical features of Lynch syndrome and constitutional mismatch repair deficiency syndrome (PMID: 18602922, 20487569, 23709753, 24130102, 25559809, 25980754, 27476653; internal data). ClinVar contains an entry for this variant (Variation ID: 142777). For these reasons, this variant has been classified as Pathogenic.

All of Us Research Program, National Institutes of Health
Classification: Pathogenic for Lynch syndrome. Last evaluated: 2024-09-13. Review status: criteria provided, single submitter. Criteria: ACMG Guidelines, 2015. Collection method: clinical testing. Allele origin: germline. Inheritance: Autosomal dominant inheritance. Observed: 1 variant allele, 1 heterozygote.
Comment: This variant results in the loss of the translation start codon of the PMS2 gene. Although functional studies have not been reported for this variant, this variant is expected to result in an absent or non-functional protein product. This variant has been reported in an individual affected with Lynch syndrome-associated cancer or colorectal polyps (PMID: 25980754) and in individuals affected with breast and/or ovarian cancer (PMID: 24130102, 29752822). The variant has been observed with a second pathogenic PMS2 variant in individuals affected with clinical features of constitutional mismatch repair deficiency (PMID: 27476653, 30680046; ClinVar SCV000187260.9). In one of these individuals, the variants were confirmed in the compound heterozygous state, suggesting this variant is disease-causing (PMID: 30680046). This variant has been identified in 1/250222 chromosomes in the general population by the Genome Aggregation Database (gnomAD). Two different variants, c.1A>G and c.2T>A, that also disrupt the PMS2 translation start codon are known to be pathogenic (Clinvar variation ID: 91323 and 182809, respectively). Loss of PMS2 function is a known mechanism of disease. Based on available evidence, this variant is classified as Pathogenic.

This study involves interpretation of variants in research participants for the purpose of population health screening. Participant phenotype was not available at the time of variant classification. Additional details can be found in publication PMID: 35346344, PMCID: PMC8962531

Color Diagnostics, LLC DBA Color Health
Classification: Pathogenic for Hereditary cancer-predisposing syndrome. Last evaluated: 2024-07-17. Review status: criteria provided, single submitter. Criteria: ACMG Guidelines, 2015. Collection method: clinical testing. Allele origin: germline.
Comment: This variant results in the loss of the translation start codon of the PMS2 gene. Although functional studies have not been reported for this variant, this variant is expected to result in an absent or non-functional protein product. This variant has been reported in an individual affected with Lynch syndrome-associated cancer or colorectal polyps (PMID: 25980754) and in individuals affected with breast and/or ovarian cancer (PMID: 24130102, 29752822). The variant has been observed with a second pathogenic PMS2 variant in individuals affected with clinical features of constitutional mismatch repair deficiency (PMID: 27476653, 30680046; ClinVar SCV000187260.9). In one of these individuals, the variants were confirmed in the compound heterozygous state, suggesting this variant is disease-causing (PMID: 30680046). This variant has been identified in 1/250222 chromosomes in the general population by the Genome Aggregation Database (gnomAD). Two different variants, c.1A>G and c.2T>A, that also disrupt the PMS2 translation start codon are known to be pathogenic (Clinvar variation ID: 91323 and 182809, respectively). Loss of PMS2 function is a known mechanism of disease. Based on available evidence, this variant is classified as Pathogenic.

Ambry Genetics
Classification: Pathogenic for Hereditary cancer-predisposing syndrome. Last evaluated: 2024-04-09. Review status: criteria provided, single submitter. Criteria: Ambry Variant Classification Scheme 2023. Collection method: clinical testing. Allele origin: germline.
Comment: The p.M1? pathogenic mutation (also known as c.1A>T) is located in coding exon 1 of the PMS2 gene and results from an A to T substitution at nucleotide position 1. This alters the methionine residue at the initiation codon (ATG). This mutation was identified in a cohort of 1260 individuals undergoing panel testing for Lynch syndrome (Yurgelun MB et al. Gastroenterology 2015 Sep;149(3):604-13.e20) and in a cohort of Chinese breast cancer patients (Li JY et al. Int J Cancer 2019 01;144(2):281-289). This specific alteration has been reported in conjunction with PMS2 pathogenic mutations in individuals with constitutional mismatch repair deficiency (CMMR-D) phenotypes, although phase of the alterations was unknown (Adam R et al. Am J Hum Genet 2016 Aug;99(2):337-51; Ambry internal data). A similar alteration impacting the same nucleotide position (c.1A>G) has been reported in trans with a second pathogenic PMS2 mutation in three patients with CMMR-D who had absence of PMS2 staining observed in both tumor and normal tissues (Senter L et al. Gastroenterology 2008 Aug;135(2):419-28) and in an individual diagnosed with early-onset endometrial cancer demonstrating isolated loss of PMS2 by IHC analysis (Borr&agrave;s E et al. J. Med. Genet. 2013 Aug;50:552-63). In addition to the clinical data presented in the literature, sequence variations that modify the initiation codon are expected to result in either loss of translation initiation, N-terminal truncation, or cause a shift in the mRNA reading frame. Based on the supporting evidence, this alteration is interpreted as a disease-causing mutation.

Molecular Pathology, Peter Maccallum Cancer Centre
Classification: Likely pathogenic for Lynch syndrome 4. Last evaluated: 2024-01-31. Review status: criteria provided, single submitter. Criteria: ACMG Guidelines, 2015. Collection method: clinical testing. Allele origin: germline. Inheritance: Autosomal dominant inheritance.

Myriad Genetics, Inc.
Classification: Pathogenic for Lynch syndrome 4. Last evaluated: 2023-09-15. Review status: criteria provided, single submitter. Criteria: Myriad Autosomal Dominant, Autosomal Recessive and X-Linked Classification Criteria (2023). Collection method: clinical testing. Allele origin: unknown.
Comment: This variant is considered pathogenic. This variant is located within the gene translation start codon (p.Met1?) and is predicted to result in abnormal protein translation. This variant has been reported in multiple individuals with clinical features of gene-specific disease [PMID: 30680046, 27476653, 18602922].

GeneDx
Classification: Pathogenic. Last evaluated: 2022-02-03. Review status: criteria provided, single submitter. Criteria: GeneDx Variant Classification Process June 2021. Collection method: clinical testing. Allele origin: germline. Affected: yes.
Comment: Initiation codon variant in a gene for which loss-of-function is a known mechanism of disease; Observed in an individual with a history of a Lynch syndrome-related cancer and/or polyps and with a second PMS2 variant in a pediatric patient suspected of having constitutional mismatch repair deficiency (CMMR-D) syndrome (Yurgelun 2015, Adam 2016); Not observed at significant frequency in large population cohorts (gnomAD); Truncating variants in this gene are considered pathogenic by a well-established clinical consortium and/or database; This variant is associated with the following publications: (PMID: 18602922, 27476653, 28152038, 25980754, 23709753, 27742654, 27064304, 28466842, 26895986, 21376568, 29625052, 30787465, 29752822)

Revvity Omics, Revvity
Classification: Likely pathogenic. Last evaluated: 2021-04-29. Review status: criteria provided, single submitter. Criteria: ACMG Guidelines, 2015. Collection method: clinical testing. Allele origin: germline.

Quest Diagnostics Nichols Institute San Juan Capistrano
Classification: Pathogenic. Last evaluated: 2018-02-21. Review status: criteria provided, single submitter. Criteria: Quest Diagnostics criteria. Collection method: clinical testing. Allele origin: germline.

Department of Pathology and Laboratory Medicine, Sinai Health System
Classification: Pathogenic for Endometrial carcinoma. Review status: no assertion criteria provided. Collection method: clinical testing. Allele origin: unknown. Affected: yes. Study: The Canadian Open Genetics Repository (COGR). Not counted in ClinVar's aggregate classification.
Comment: The p.Met1 (c.1A>T) variant in exon 1 of the PMS2 gene has not been reported in the literature nor previously identified by our laboratory. This variant did not show up in the databases (dbSNP, NHLBI Exome sequencing project (exome variant server), HGMD, LOVD, COSMIC, UMD, ClinVar, or BIC) and it is unknown if it may or may not be causative of the disorder. However it causes the loss of the start codon for exon 1. This residue has not been seen in mammals and computational analyses (PolyPhen2, SIFT, AlignGVGD) and it is unknown if this suggests a high likelihood of impact to the protein. However, this information is not predictive enough to rule out pathogenicity. In summary, the clinical significance of this variant cannot be determined with certainty at this time; however based upon the arguments described above, we find this variant to be PATHOGENIC.

Literature cited by the submitters: PubMed 18602922 (cited by 4 submitters); PubMed 20487569 (cited by Mayo Clinic Laboratories, Mayo Clinic and Labcorp Genetics (formerly Invitae), Labcorp); PubMed 23709753 (cited by Mayo Clinic Laboratories, Mayo Clinic and Labcorp Genetics (formerly Invitae), Labcorp); PubMed 25980754 (cited by 5 submitters); PubMed 27476653 (cited by 6 submitters); PubMed 30680046 (cited by 4 submitters); PubMed 24130102 (cited by 3 submitters); PubMed 25559809 (cited by Labcorp Genetics (formerly Invitae), Labcorp); PubMed 29752822 (cited by 3 submitters).